The following is an entry in ClinVar:

NM_007294.4(BRCA1):c.4486T>C (p.Ser1496Pro)

Gene: BRCA1 (BRCA1 DNA repair associated; minus strand). Cytogenetic location: 17q21.31.
Variant type: single nucleotide variant.
Coding change: c.4486T>C on transcript NM_007294.4 (MANE Select); coding-DNA position 4486, T replaced by C.
Protein change: p.Ser1496Pro; replaces serine 1496 with proline.
Molecular consequence: missense variant. On other transcripts: intron variant (3).
Genome position (GRCh38, 1-based): chr17:43,074,520, A>G on the plus strand (T>C on the coding strand, the complement: BRCA1 is on the minus strand). VCF-style: chr17-43074520-A-G. GRCh37 (hg19) VCF-style: chr17-41226537-A-G.
Other names: c.1057T>C, p.Ser353Pro (NM_001408421.1, NM_001408422.1, NM_001408423.1 and 1 more transcripts); c.1054T>C, p.Ser352Pro (NM_001408425.1, NM_001408426.1, NM_001408427.1 and 4 more transcripts); c.1051T>C, p.Ser351Pro (NM_001408440.1, NM_001408441.1, NM_001408442.1 and 10 more transcripts); c.1048T>C, p.Ser350Pro (NM_001408445.1, NM_001408446.1, NM_001408447.1 and 2 more transcripts); c.1033T>C, p.Ser345Pro (NM_001408460.1, NM_001408461.1, NM_001408462.1 and 7 more transcripts); c.1030T>C, p.Ser344Pro (NM_001408468.1, NM_001408469.1, NM_001408470.1); c.964T>C, p.Ser322Pro (NM_001408481.1, NM_001408482.1, NM_001408483.1 and 5 more transcripts); c.961T>C, p.Ser321Pro (NM_001408492.1, NM_001408493.1); and 71 more; short protein forms S1200P, S1367P, S1385P, S1407P, S1447P, S1452P, S1454P, S1493P.
Identifiers: ClinVar variation 4215075 (VCV004215075.1).

ClinVar aggregate classification (germline): Uncertain significance (1 of 4 stars; one submission).

Conditions:
Hereditary cancer-predisposing syndrome. Also called: Neoplastic Syndromes, Hereditary; Tumor predisposition; Hereditary Cancer Syndrome; Hereditary neoplastic syndrome. Identifiers: Orphanet 140162, MedGen C0027672, MeSH D009386, MONDO:0015356.

Submission:

Ambry Genetics
Classification: Uncertain significance for Hereditary cancer-predisposing syndrome. Last evaluated: 2025-06-30. Review status: criteria provided, single submitter. Criteria: Ambry Variant Classification Scheme 2023. Collection method: clinical testing. Allele origin: germline.
Comment: The p.S1496P variant (also known as c.4486T>C), located in coding exon 13 of the BRCA1 gene, results from a T to C substitution at nucleotide position 4486. The serine at codon 1496 is replaced by proline, an amino acid with similar properties. This amino acid position is not well conserved in available vertebrate species. In addition, the in silico prediction for this alteration is inconclusive. Based on the available evidence, the clinical significance of this variant remains unclear.